The following is an entry in ClinVar:

ClinVar aggregate classification (germline): Uncertain significance. Review status: criteria provided, multiple submitters, no conflicts (2 of 4 stars). 2 submissions from 2 submitters: Uncertain significance (2). Last evaluated 2025-01-20.

Submissions (2):

Ambry Genetics
Classification: Uncertain significance. Last evaluated: 2025-01-20. Review status: criteria provided, single submitter. Criteria: Ambry Variant Classification Scheme 2023. Collection method: clinical testing. Allele origin: germline.
Comment: The p.I229L variant (also known as c.685A>T), located in coding exon 8 of the FAM175A gene, results from an A to T substitution at nucleotide position 685. The isoleucine at codon 229 is replaced by leucine, an amino acid with highly similar properties. This amino acid position is conserved. In addition, this alteration is predicted to be tolerated by in silico analysis. Based on the available evidence, the clinical significance of this variant remains unclear.

Labcorp Genetics (formerly Invitae), Labcorp
Classification: Uncertain significance. Last evaluated: 2017-04-13. Review status: criteria provided, single submitter. Criteria: Invitae Variant Classification Sherloc (09022015). Collection method: clinical testing. Allele origin: germline.
Comment: This sequence change replaces isoleucine with leucine at codon 229 of the FAM175A protein (p.Ile229Leu). The isoleucine residue is highly conserved and there is a small physicochemical difference between isoleucine and leucine. This variant is not present in population databases (ExAC no frequency) and has not been reported in the literature in individuals with a FAM175A-related disease. Algorithms developed to predict the effect of missense changes on protein structure and function output the following: SIFT: "Tolerated"; PolyPhen-2: "Benign"; Align-GVGD: "Class C0". The leucine amino acid residue is found in multiple mammalian species, suggesting that this missense change does not adversely affect protein function. These predictions have not been confirmed by published functional studies. In summary, this variant is a novel missense change that is not predicted to affect protein function. There is no indication that it causes disease, but the available evidence is currently insufficient to prove that conclusively. Therefore, it has been classified as a Variant of Uncertain Significance.

NM_139076.3(ABRAXAS1):c.685A>T (p.Ile229Leu)

Gene: ABRAXAS1 (abraxas 1, BRCA1 A complex subunit; minus strand). Cytogenetic location: 4q21.23.
Variant type: single nucleotide variant.
Coding change: c.685A>T on transcript NM_139076.3 (MANE Select); coding-DNA position 685, A replaced by T.
Protein change: p.Ile229Leu; replaces isoleucine 229 with leucine.
Molecular consequence: missense variant.
Genome position (GRCh38, 1-based): chr4:83,463,605, T>A on the plus strand (A>T on the coding strand, the complement: ABRAXAS1 is on the minus strand). VCF-style: chr4-83463605-T-A. GRCh37 (hg19) VCF-style: chr4-84384758-T-A.
Other names: c.358A>T, p.Ile120Leu (NM_001345962.2); c.685A>T (NM_139076.2); short protein forms I120L, I229L.
Identifiers: ClinVar variation 1058888 (VCV001058888.10), dbSNP rs2110034090, ClinGen allele CA357257098.